The following is an entry in ClinVar:

NM_006096.4(NDRG1):c.904G>A (p.Ala302Thr)

Gene: NDRG1 (N-myc downstream regulated 1; minus strand). Cytogenetic location: 8q24.22.
Variant type: single nucleotide variant.
Coding change: c.904G>A on transcript NM_006096.4 (MANE Select); coding-DNA position 904, G replaced by A.
Protein change: p.Ala302Thr; replaces alanine 302 with threonine.
Molecular consequence: missense variant.
Genome position (GRCh38, 1-based): chr8:133,242,062, C>T on the plus strand (G>A on the coding strand, the complement: NDRG1 is on the minus strand). VCF-style: chr8-133242062-C-T. GRCh37 (hg19) VCF-style: chr8-134254305-C-T.
Other names: c.904G>A, p.Ala302Thr (NM_001135242.2, NM_001374845.1, NM_001374846.1); c.706G>A, p.Ala236Thr (NM_001258432.2, NM_001374847.1); c.661G>A, p.Ala221Thr (NM_001258433.2); c.955G>A, p.Ala319Thr (NM_001374844.1); short protein forms A302T, A236T, A221T, A319T.
Identifiers: ClinVar variation 543383 (VCV000543383.8), dbSNP rs373637595, ClinGen allele CA4886484.

ClinVar aggregate classification (germline): Uncertain significance. Review status: criteria provided, single submitter (1 of 4 stars). 2 submissions from 2 submitters: Uncertain significance (1). 1 of the submissions does not count toward it. Last evaluated 2022-04-08.

Conditions:
Charcot-Marie-Tooth disease type 4. Also called: Charcot-Marie-Tooth, Type 4; Charcot-Marie-Tooth disease, type IV. Identifiers: Orphanet 64749, MedGen C4082197, MONDO:0018995.
Charcot-Marie-Tooth disease type 4D. Also called: CHARCOT-MARIE-TOOTH DISEASE, DEMYELINATING, AUTOSOMAL RECESSIVE, TYPE 4D; NEUROPATHY, HEREDITARY MOTOR AND SENSORY, LOM TYPE; Charcot-Marie-Tooth Neuropathy Type 4D; CHARCOT-MARIE-TOOTH DISEASE, DEMYELINATING, TYPE 4D. Identifiers: Orphanet 99950, MedGen C1832334, MONDO:0011085, OMIM 601455.

Allele frequency attached by ClinVar (database versions not stated): gnomAD 0.00002; TOPMed 0.00002; gnomAD exomes 0.00003; ExAC 0.00004; ESP Exome Variant Server 0.00008.
gnomAD v4.1: 20 of 1,614,090 alleles (0.0012%); highest among the groups gnomAD compares: South Asian, 0.0055%; no homozygotes.

Submissions (2):

Labcorp Genetics (formerly Invitae), Labcorp
Classification: Uncertain significance for Charcot-Marie-Tooth disease type 4. Last evaluated: 2022-04-08. Review status: criteria provided, single submitter. Criteria: Invitae Variant Classification Sherloc (09022015). Collection method: clinical testing. Allele origin: germline.
Comment: This sequence change replaces alanine, which is neutral and non-polar, with threonine, which is neutral and polar, at codon 302 of the NDRG1 protein (p.Ala302Thr). This variant is present in population databases (rs373637595, gnomAD 0.02%). This variant has not been reported in the literature in individuals affected with NDRG1-related conditions. ClinVar contains an entry for this variant (Variation ID: 543383). Algorithms developed to predict the effect of missense changes on protein structure and function (SIFT, PolyPhen-2, Align-GVGD) all suggest that this variant is likely to be tolerated. In summary, the available evidence is currently insufficient to determine the role of this variant in disease. Therefore, it has been classified as a Variant of Uncertain Significance.

Natera, Inc.
Classification: Uncertain significance for Charcot-Marie-Tooth disease type 4D. Last evaluated: 2020-08-06. Review status: no assertion criteria provided. Collection method: clinical testing. Allele origin: germline. Not counted in ClinVar's aggregate classification.